The following is an entry in ClinVar:

ClinVar aggregate classification (germline): Uncertain significance (1 of 4 stars; one submission).

Conditions:
Bailey-Bloch congenital myopathy (CMYO13). Also called: Congenital myopathy 13; Native American myopathy; STAC3 disorder. Identifiers: Orphanet 168572, MedGen C1850625, MONDO:0009722, OMIM 255995.

Submission:

Labcorp Genetics (formerly Invitae), Labcorp
Classification: Uncertain significance for Bailey-Bloch congenital myopathy. Last evaluated: 2019-12-19. Review status: criteria provided, single submitter. Criteria: Invitae Variant Classification Sherloc (09022015). Collection method: clinical testing. Allele origin: germline.
Comment: This variant is not present in population databases (ExAC no frequency). This sequence change replaces valine with alanine at codon 185 of the STAC3 protein (p.Val185Ala). The valine residue is highly conserved and there is a small physicochemical difference between valine and alanine. This variant has not been reported in the literature in individuals with STAC3-related conditions. In summary, the available evidence is currently insufficient to determine the role of this variant in disease. Therefore, it has been classified as a Variant of Uncertain Significance. Algorithms developed to predict the effect of missense changes on protein structure and function are either unavailable or do not agree on the potential impact of this missense change (SIFT: "Deleterious"; PolyPhen-2: "Possibly Damaging"; Align-GVGD: "Class C0").

NM_145064.3(STAC3):c.554T>C (p.Val185Ala)

Gene: STAC3 (SH3 and cysteine rich domain 3; minus strand). Cytogenetic location: 12q13.3.
Variant type: single nucleotide variant.
Coding change: c.554T>C on transcript NM_145064.3 (MANE Select); coding-DNA position 554, T replaced by C.
Protein change: p.Val185Ala; replaces valine 185 with alanine.
Molecular consequence: missense variant. On other transcripts: 5 prime UTR variant (1), non-coding transcript variant (1).
Genome position (GRCh38, 1-based): chr12:57,246,853, A>G on the plus strand (T>C on the coding strand, the complement: STAC3 is on the minus strand). VCF-style: chr12-57246853-A-G. GRCh37 (hg19) VCF-style: chr12-57640636-A-G.
Other names: c.437T>C, p.Val146Ala (NM_001286256.2); c.-5T>C (NM_001286257.2); short protein forms V146A, V185A.
Identifiers: ClinVar variation 838703 (VCV000838703.13), dbSNP rs2037753047, ClinGen allele CA385413671.
Genomic context (GRCh38, chr12:57,246,853, plus strand): 5'-ACAGTGCTCACATTTTTCTTATCTGCCTGTCCCTTCTTCCGTTCCTTGTTTGCCATGATC[A>G]CCCCAGTGCGCAGGGTTTCAAACACAGGATCATTGCGATTGGCAGCAGCTAATCGAATGG-3'
Protein context (NP_659501.1, residues 175-195): DPVFETLRTG[Val185Ala]IMANKERKKG